The following is an entry in ClinVar:

ClinVar aggregate classification (germline): Pathogenic (1 of 4 stars; one submission).

Submission:

CeGaT Center for Human Genetics Tuebingen
Classification: Pathogenic. Last evaluated: 2025-04-01. Review status: criteria provided, single submitter. Criteria: CeGaT Center For Human Genetics Tuebingen Variant Classification Criteria Version 2. Collection method: clinical testing. Allele origin: germline. Affected: yes. Observed: 1 variant allele.
Comment: KDM5B: PVS1, PM2

NM_006618.5(KDM5B):c.2377_2380del (p.Asp793fs)

Gene: KDM5B (lysine demethylase 5B; minus strand). Cytogenetic location: 1q32.1.
Variant type: Deletion.
Coding change: c.2377_2380del on transcript NM_006618.5 (MANE Select); coding-DNA positions 2377 to 2380, 4 bases deleted (GACA; older notation c.2377_2380delGACA).
Protein change: p.Asp793fs; shifts the reading frame from aspartic acid 793.
Molecular consequence: frameshift variant.
Genome position (GRCh38, 1-based): chr1:202,742,749-202,742,752, TGTC deleted on the plus strand (GACA on the coding strand, the reverse complement: KDM5B is on the minus strand); deleting any 4 consecutive bases within chr1:202,742,749-202,742,754 gives the same sequence; the c. name uses the placement nearest the transcript's 3' end. VCF-style (leftmost placement, unchanged base first): chr1-202742748-TTGTC-T. GRCh37 (hg19) VCF-style: chr1-202711876-TTGTC-T.
Other names: c.2485_2488del, p.Asp829fs (NM_001314042.2); c.2242_2245del, p.Asp748fs (NM_001347591.2); c.2362_2365del, p.Asp788fs (NM_001399817.1); short protein forms D748fs, D788fs, D793fs, D829fs.
Identifiers: ClinVar variation 3250989 (VCV003250989.18), dbSNP rs1655397950.